The following is an entry in ClinVar:

NM_030665.4(RAI1):c.5546T>C (p.Met1849Thr)

Gene: RAI1 (retinoic acid induced 1; plus strand). Cytogenetic location: 17p11.2.
Variant type: single nucleotide variant.
Coding change: c.5546T>C on transcript NM_030665.4 (MANE Select); coding-DNA position 5546, T replaced by C.
Protein change: p.Met1849Thr; replaces methionine 1849 with threonine.
Molecular consequence: missense variant.
Genome position (GRCh38, 1-based): chr17:17,798,494, T>C. VCF-style: chr17-17798494-T-C. GRCh37 (hg19) VCF-style: chr17-17701808-T-C.
Other names: c.5546T>C (NM_030665.3); short protein forms M1849T.
Identifiers: ClinVar variation 2791096 (VCV002791096.4), dbSNP rs2543627428, ClinGen allele CA398559404.

ClinVar aggregate classification (germline): Uncertain significance. Review status: criteria provided, single submitter (1 of 4 stars). 2 submissions from 2 submitters: Uncertain significance (1). 1 of the submissions does not count toward it. Last evaluated 2023-06-18.

Conditions:
RAI1-related disorder. Also called: RAI1-related condition.

Allele frequency attached by ClinVar (database versions not stated): gnomAD exomes below 0.00001.

Submissions (2):

Labcorp Genetics (formerly Invitae), Labcorp
Classification: Uncertain significance. Last evaluated: 2023-06-18. Review status: criteria provided, single submitter. Criteria: Invitae Variant Classification Sherloc (09022015). Collection method: clinical testing. Allele origin: germline.
Comment: This sequence change replaces methionine, which is neutral and non-polar, with threonine, which is neutral and polar, at codon 1849 of the RAI1 protein (p.Met1849Thr). This variant is not present in population databases (gnomAD no frequency). This variant has not been reported in the literature in individuals affected with RAI1-related conditions. Advanced modeling of protein sequence and biophysical properties (such as structural, functional, and spatial information, amino acid conservation, physicochemical variation, residue mobility, and thermodynamic stability) performed at Invitae indicates that this missense variant is not expected to disrupt RAI1 protein function. In summary, the available evidence is currently insufficient to determine the role of this variant in disease. Therefore, it has been classified as a Variant of Uncertain Significance.

PreventionGenetics, part of Exact Sciences
Classification: Uncertain significance for RAI1-related condition. Last evaluated: 2024-07-03. Review status: no assertion criteria provided. Collection method: clinical testing. Allele origin: germline. Not counted in ClinVar's aggregate classification.
Comment: The RAI1 c.5546T>C variant is predicted to result in the amino acid substitution p.Met1849Thr. To our knowledge, this variant has not been reported in the literature or in a large population database, indicating this variant is rare. At this time, the clinical significance of this variant is uncertain due to the absence of conclusive functional and genetic evidence.